The following is an entry in ClinVar:

ClinVar aggregate classification (germline): Uncertain significance (1 of 4 stars; one submission).

Submission:

Women's Health and Genetics/Laboratory Corporation of America, LabCorp
Classification: Uncertain significance. Last evaluated: 2024-05-13. Review status: criteria provided, single submitter. Criteria: LabCorp Variant Classification Summary - May 2015. Collection method: clinical testing. Allele origin: germline.
Comment: Variant summary: SLC12A3 c.1669+297T>G is located at a position not widely known to affect splicing. Consensus agreement among computation tools predict no significant impact on normal splicing. At least one publication reports experimental evidence that this variant affects mRNA splicing, resulting in activation of a cryptic exon in intron 13 (Nozu_2017). The variant was absent in 31360 control chromosomes. c.1669+297T>G has been reported in the literature in at least one compound heterozygous individual affected with Familial Hypokalemia-Hypomagnesemia (Nozu_2017). These data do not allow any conclusion about variant significance. The following publication has been ascertained in the context of this evaluation (PMID: 27784896). No submitters have cited clinical-significance assessments for this variant to ClinVar. Based on the evidence outlined above, the variant was classified as VUS-possibly pathogenic.

Literature cited by the submitters: PubMed 27784896.

NM_001126108.2(SLC12A3):c.1669+297T>G

Gene: SLC12A3 (solute carrier family 12 member 3; plus strand). Cytogenetic location: 16q13.
Variant type: single nucleotide variant.
Coding change: c.1669+297T>G on transcript NM_001126108.2 (MANE Select); 297 bases into the intron after coding-DNA position 1669, T replaced by G.
Molecular consequence: intron variant.
Genome position (GRCh38, 1-based): chr16:56,882,794, T>G. VCF-style: chr16-56882794-T-G. GRCh37 (hg19) VCF-style: chr16-56916706-T-G.
Other names: c.1669+297T>G (NM_000339.3); c.1666+297T>G (NM_001126107.2, NM_001410896.1).
Identifiers: ClinVar variation 3335982 (VCV003335982.1).